The following is an entry in ClinVar:

ClinVar aggregate classification (germline): Uncertain significance. Review status: criteria provided, multiple submitters, no conflicts (2 of 4 stars). 4 submissions from 4 submitters: Uncertain significance (4). Last evaluated 2026-08-17.

Conditions:
Hereditary cancer-predisposing syndrome. Also called: Hereditary Cancer Syndrome; Neoplastic Syndromes, Hereditary; Hereditary neoplastic syndrome; Tumor predisposition. Identifiers: Orphanet 140162, MedGen C0027672, MeSH D009386, MONDO:0015356.
Cardiovascular phenotype. Identifiers: MedGen CN230736.
LZTR1-related schwannomatosis. Also called: Schwannomatosis-2, susceptibility to; Schwannomatosis 2. Identifiers: Orphanet 93921, MedGen C3810283, MONDO:0014299, OMIM 615670.
Noonan syndrome 10 (NS10). Identifiers: Orphanet 648, MedGen C4225280, MONDO:0014693, OMIM 616564.
Noonan syndrome 2 (NS2). Identifiers: Orphanet 648, MedGen C1854469, MONDO:0011531, OMIM 605275.

Allele frequency attached by ClinVar (database versions not stated): gnomAD exomes below 0.00001; TOPMed 0.00001; ExAC 0.00001.
gnomAD v4.1: 1 of 1,613,578 alleles (0.000062%); highest among the groups gnomAD compares: Non-Finnish European, 0.000085%; no homozygotes.

Submissions (4):

Ambry Genetics
Classification: Uncertain significance for Cardiovascular phenotype; Hereditary cancer-predisposing syndrome. Last evaluated: 2026-08-17. Review status: criteria provided, single submitter. Criteria: Ambry Variant Classification Scheme 2023. Collection method: clinical testing. Allele origin: germline.

Labcorp Genetics (formerly Invitae), Labcorp
Classification: Uncertain significance. Last evaluated: 2025-10-27. Review status: criteria provided, single submitter. Criteria: Invitae Variant Classification Sherloc (09022015). Collection method: clinical testing. Allele origin: germline.
Comment: This sequence change replaces threonine, which is neutral and polar, with isoleucine, which is neutral and non-polar, at codon 649 of the LZTR1 protein (p.Thr649Ile). This variant is present in population databases (rs774401447, gnomAD 0.0009%). This variant has not been reported in the literature in individuals affected with LZTR1-related conditions. ClinVar contains an entry for this variant (Variation ID: 1352771). Invitae Evidence Modeling of protein sequence and biophysical properties (such as structural, functional, and spatial information, amino acid conservation, physicochemical variation, residue mobility, and thermodynamic stability) indicates that this missense variant is not expected to disrupt LZTR1 protein function with a negative predictive value of 80%. Algorithms developed to predict the effect of sequence changes on RNA splicing suggest that this variant may create or strengthen a splice site. In summary, the available evidence is currently insufficient to determine the role of this variant in disease. Therefore, it has been classified as a Variant of Uncertain Significance.

Fulgent Genetics
Classification: Uncertain significance for Noonan syndrome 2; LZTR1-related schwannomatosis; Noonan syndrome 10. Last evaluated: 2024-06-07. Review status: criteria provided, single submitter. Criteria: ACMG Guidelines, 2015. Collection method: clinical testing. Allele origin: germline.

Baylor Genetics
Classification: Uncertain significance for LZTR1-related schwannomatosis. Last evaluated: 2023-12-15. Review status: criteria provided, single submitter. Criteria: ACMG Guidelines, 2015. Collection method: clinical testing. Allele origin: unknown.

NM_006767.4(LZTR1):c.1946C>T (p.Thr649Ile)

Gene: LZTR1 (leucine zipper like post translational regulator 1; plus strand). Cytogenetic location: 22q11.21.
Variant type: single nucleotide variant.
Coding change: c.1946C>T on transcript NM_006767.4 (MANE Select); coding-DNA position 1946, C replaced by T.
Protein change: p.Thr649Ile; replaces threonine 649 with isoleucine.
Molecular consequence: missense variant.
Genome position (GRCh38, 1-based): chr22:20,995,749, C>T. VCF-style: chr22-20995749-C-T. GRCh37 (hg19) VCF-style: chr22-21350038-C-T.
Other names: short protein forms T649I.
Identifiers: ClinVar variation 1352771 (VCV001352771.13), dbSNP rs774401447, ClinGen allele CA10119168.